The following is an entry in ClinVar:

ClinVar aggregate classification (germline): Likely pathogenic (1 of 4 stars; one submission).

Conditions:
Menkes kinky-hair syndrome (MNK). Also called: Copper transport disease; Classic Menkes Disease; Menkes Disease. Identifiers: Orphanet 565, MedGen C0022716, MONDO:0010651, OMIM 309400.

Submission:

Myriad Genetics, Inc.
Classification: Likely pathogenic for Menkes kinky-hair syndrome. Last evaluated: 2022-02-24. Review status: criteria provided, single submitter. Criteria: Myriad Autosomal Dominant, Autosomal Recessive and X-Linked Classification Criteria (2023). Collection method: clinical testing. Allele origin: unknown.
Comment: NM_000052.5(ATP7A):c.1924delG(D642Ifs*6) is expected to be pathogenic in the context of ATP7A-related disorders. This variant is predicted to lead to an abnormal or absent protein product due to the creation of a premature termination codon in ATP7A, a gene where loss-of-function variants are known to be pathogenic. Please note: this variant was assessed in the context of healthy population screening.

NM_000052.7(ATP7A):c.1924del (p.Asp642fs)

Gene: ATP7A (ATPase copper transporting alpha; plus strand). Cytogenetic location: Xq21.1.
Variant type: Deletion.
Coding change: c.1924del on transcript NM_000052.7 (MANE Select); coding-DNA position 1924, one base deleted (G; older notation c.1924delG).
Protein change: p.Asp642fs; shifts the reading frame from aspartic acid 642.
Molecular consequence: frameshift variant.
Genome position (GRCh38, 1-based): chrX:78,011,230, G deleted. VCF-style (leftmost placement, unchanged base first): chrX-78011229-AG-A. GRCh37 (hg19) VCF-style: chrX-77266726-AG-A.
Other names: c.1924del, p.Asp642fs (NM_001282224.2); short protein forms D642fs.
Identifiers: ClinVar variation 1724652 (VCV001724652.3), dbSNP rs2522348266, ClinGen allele CA2580101477.